The following is an entry in ClinVar:

NM_213599.3(ANO5):c.1790G>A (p.Arg597Lys)

Gene: ANO5 (anoctamin 5; plus strand). Cytogenetic location: 11p14.3.
Variant type: single nucleotide variant.
Coding change: c.1790G>A on transcript NM_213599.3 (MANE Select); coding-DNA position 1790, G replaced by A.
Protein change: p.Arg597Lys; replaces arginine 597 with lysine.
Molecular consequence: missense variant.
Genome position (GRCh38, 1-based): chr11:22,262,288, G>A. VCF-style: chr11-22262288-G-A. GRCh37 (hg19) VCF-style: chr11-22283834-G-A.
Other names: c.1787G>A, p.Arg596Lys (NM_001142649.2); short protein forms R596K, R597K.
Identifiers: ClinVar variation 1020189 (VCV001020189.9), dbSNP rs1854215396, ClinGen allele CA379922829.

ClinVar aggregate classification (germline): Uncertain significance (1 of 4 stars; one submission).

Conditions:
Autosomal recessive limb-girdle muscular dystrophy type 2L (LGMDR12). Also called: MUSCULAR DYSTROPHY, LIMB-GIRDLE, AUTOSOMAL RECESSIVE 12; Limb-Girdle Muscular Dystrophy R12 Anoctamin-5-Related (LGMD-R12); Limb-girdle muscular dystrophy, type 2L. Identifiers: Orphanet 206549, MedGen C1969785, MONDO:0012652, OMIM 611307.
Gnathodiaphyseal dysplasia (GDD). Also called: GNATHODIAPHYSEAL SCLEROSIS; OSTEOGENESIS IMPERFECTA WITH UNUSUAL SKELETAL LESIONS. Identifiers: Orphanet 53697, MedGen C1833736, MONDO:0008151, OMIM 166260.

Allele frequency attached by ClinVar (database versions not stated): gnomAD exomes below 0.00001.
gnomAD v4.1: 1 of 1,613,658 alleles (0.000062%); highest among the groups gnomAD compares: South Asian, 0.0011%; no homozygotes.

Submission:

Labcorp Genetics (formerly Invitae), Labcorp
Classification: Uncertain significance for Autosomal recessive limb-girdle muscular dystrophy type 2L; Gnathodiaphyseal dysplasia. Last evaluated: 2024-02-24. Review status: criteria provided, single submitter. Criteria: Invitae Variant Classification Sherloc (09022015). Collection method: clinical testing. Allele origin: germline.
Comment: This sequence change replaces arginine, which is basic and polar, with lysine, which is basic and polar, at codon 597 of the ANO5 protein (p.Arg597Lys). This variant is not present in population databases (gnomAD no frequency). This variant has not been reported in the literature in individuals affected with ANO5-related conditions. ClinVar contains an entry for this variant (Variation ID: 1020189). Advanced modeling of protein sequence and biophysical properties (such as structural, functional, and spatial information, amino acid conservation, physicochemical variation, residue mobility, and thermodynamic stability) performed at Invitae indicates that this missense variant is expected to disrupt ANO5 protein function with a positive predictive value of 80%. In summary, the available evidence is currently insufficient to determine the role of this variant in disease. Therefore, it has been classified as a Variant of Uncertain Significance.